The following is an entry in ClinVar:

ClinVar aggregate classification (germline): Uncertain significance (1 of 4 stars; one submission).

Conditions:
Wolman disease (WOLD). Also called: Acid cholesteryl ester hydrolase deficiency, Wolman type; Acid lipase disease; Wolman disease, CESD; Wolman disease with hypolipoproteinemia and acanthocytosis; LYSOSOMAL ACID LIPASE DEFICIENCY, ACUTE INFANTILE; LYSOSOMAL ACID LIPASE DEFICIENCY, COMPLETE. Identifiers: Orphanet 75233, MedGen C0043208, MONDO:0019148, OMIM 620151.

Allele frequency attached by ClinVar (database versions not stated): gnomAD exomes below 0.00001.
gnomAD v4.1: 5 of 1,614,100 alleles (0.00031%); highest among the groups gnomAD compares: Middle Eastern, 0.017%; no homozygotes.

Submission:

Labcorp Genetics (formerly Invitae), Labcorp
Classification: Uncertain significance for Wolman disease. Last evaluated: 2023-11-17. Review status: criteria provided, single submitter. Criteria: Invitae Variant Classification Sherloc (09022015). Collection method: clinical testing. Allele origin: germline.
Comment: This sequence change replaces histidine, which is basic and polar, with glutamine, which is neutral and polar, at codon 222 of the LIPA protein (p.His222Gln). This variant is present in population databases (no rsID available, gnomAD 0.004%). This variant has not been reported in the literature in individuals affected with LIPA-related conditions. Advanced modeling of protein sequence and biophysical properties (such as structural, functional, and spatial information, amino acid conservation, physicochemical variation, residue mobility, and thermodynamic stability) performed at Invitae indicates that this missense variant is not expected to disrupt LIPA protein function with a negative predictive value of 80%. In summary, the available evidence is currently insufficient to determine the role of this variant in disease. Therefore, it has been classified as a Variant of Uncertain Significance.

NM_000235.4(LIPA):c.666T>A (p.His222Gln)

Gene: LIPA (lipase A, lysosomal acid type; minus strand). Cytogenetic location: 10q23.31.
Variant type: single nucleotide variant.
Coding change: c.666T>A on transcript NM_000235.4 (MANE Select); coding-DNA position 666, T replaced by A.
Protein change: p.His222Gln; replaces histidine 222 with glutamine.
Molecular consequence: missense variant.
Genome position (GRCh38, 1-based): chr10:89,225,101, A>T on the plus strand (T>A on the coding strand, the complement: LIPA is on the minus strand). VCF-style: chr10-89225101-A-T. GRCh37 (hg19) VCF-style: chr10-90984858-A-T.
Other names: c.666T>A, p.His222Gln (NM_001127605.3); c.318T>A, p.His106Gln (NM_001288979.2); short protein forms H222Q, H106Q.
Identifiers: ClinVar variation 2913250 (VCV002913250.1), dbSNP rs1386697008, ClinGen allele CA377517168.